The following is an entry in ClinVar:

NM_001127392.3(MYRF):c.1035C>A (p.Asp345Glu)

Gene: MYRF (myelin regulatory factor; plus strand). Cytogenetic location: 11q12.2.
Variant type: single nucleotide variant.
Coding change: c.1035C>A on transcript NM_001127392.3 (MANE Select); coding-DNA position 1035, C replaced by A.
Protein change: p.Asp345Glu; replaces aspartic acid 345 with glutamic acid.
Molecular consequence: missense variant.
Genome position (GRCh38, 1-based): chr11:61,771,872, C>A. VCF-style: chr11-61771872-C-A. GRCh37 (hg19) VCF-style: chr11-61539344-C-A.
Other names: c.1008C>A, p.Asp336Glu (NM_013279.4); short protein forms D336E, D345E.
Identifiers: ClinVar variation 3368219 (VCV003368219.2).
Genomic context (GRCh38, chr11:61,771,872, plus strand): 5'-GCGTTCCCTCCCTCCAGGCCTCCTGCAGGACAGTGACAGCCTCAGTGGCTCCTACCTGGA[C>A]CCCAACTACCAGTCCATCAAGTGGCAGCCTCATCAGCAGAACAAGTGGGCGACCCTGTAC-3'
Protein context (NP_001120864.1, residues 335-355): DSDSLSGSYL[Asp345Glu]PNYQSIKWQP

ClinVar aggregate classification (germline): Conflicting classifications of pathogenicity. Review status: criteria provided, conflicting classifications (1 of 4 stars). 2 submissions from 2 submitters: Uncertain significance (1); Likely benign (1). Last evaluated 2024-01-24.

gnomAD v4.1: 15 of 1,614,146 alleles (0.00093%); highest among the groups gnomAD compares: Non-Finnish European, 0.000085%; no homozygotes.

Submissions (2):

GeneDx
Classification: Uncertain significance. Last evaluated: 2024-01-24. Review status: criteria provided, single submitter. Criteria: GeneDx Variant Classification Process June 2021. Collection method: clinical testing. Allele origin: germline. Affected: yes.
Comment: In silico analysis supports that this missense variant has a deleterious effect on protein structure/function; Has not been previously published as pathogenic or benign to our knowledge

Blueprint Genetics
Classification: Likely benign. Last evaluated: 2023-06-14. Review status: criteria provided, single submitter. Criteria: ACMG Guidelines, 2015. Collection method: clinical testing. Allele origin: germline.